The following is an entry in ClinVar:

ClinVar aggregate classification (germline): Uncertain significance. Review status: criteria provided, multiple submitters, no conflicts (2 of 4 stars). 2 submissions from 2 submitters: Uncertain significance (2). Last evaluated 2025-06-06.

Conditions:
Hereditary cancer-predisposing syndrome. Also called: Tumor predisposition; Hereditary neoplastic syndrome; Neoplastic Syndromes, Hereditary; Hereditary Cancer Syndrome. Identifiers: Orphanet 140162, MedGen C0027672, MeSH D009386, MONDO:0015356.
Familial cancer of breast. Also called: hereditary breast carcinoma; Hereditary breast cancer; BREAST CANCER, FAMILIAL. Identifiers: Orphanet 227535, MedGen C0346153, MONDO:0016419, OMIM 114480. Disease mechanism: loss of function.

Allele frequency attached by ClinVar (database versions not stated): TOPMed 0.00001.

Submissions (2):

Ambry Genetics
Classification: Uncertain significance for Hereditary cancer-predisposing syndrome. Last evaluated: 2025-06-06. Review status: criteria provided, single submitter. Criteria: Ambry Variant Classification Scheme 2023. Collection method: clinical testing. Allele origin: germline.
Comment: The p.Y409F variant (also known as c.1226A>T), located in coding exon 4 of the PALB2 gene, results from an A to T substitution at nucleotide position 1226. The tyrosine at codon 409 is replaced by phenylalanine, an amino acid with highly similar properties. This amino acid position is conserved. In addition, this alteration is predicted to be tolerated by in silico analysis. Since supporting evidence is limited at this time, the clinical significance of this alteration remains unclear.

Labcorp Genetics (formerly Invitae), Labcorp
Classification: Uncertain significance for Familial cancer of breast. Last evaluated: 2024-02-27. Review status: criteria provided, single submitter. Criteria: Invitae Variant Classification Sherloc (09022015). Collection method: clinical testing. Allele origin: germline.
Comment: This sequence change replaces tyrosine, which is neutral and polar, with phenylalanine, which is neutral and non-polar, at codon 409 of the PALB2 protein (p.Tyr409Phe). This variant is not present in population databases (gnomAD no frequency). This variant has not been reported in the literature in individuals affected with PALB2-related conditions. ClinVar contains an entry for this variant (Variation ID: 859179). Advanced modeling of protein sequence and biophysical properties (such as structural, functional, and spatial information, amino acid conservation, physicochemical variation, residue mobility, and thermodynamic stability) performed at Invitae indicates that this missense variant is expected to disrupt PALB2 protein function with a positive predictive value of 80%. In summary, the available evidence is currently insufficient to determine the role of this variant in disease. Therefore, it has been classified as a Variant of Uncertain Significance.

NM_024675.4(PALB2):c.1226A>T (p.Tyr409Phe)

Gene: PALB2 (partner and localizer of BRCA2; minus strand). Cytogenetic location: 16p12.2.
Variant type: single nucleotide variant.
Coding change: c.1226A>T on transcript NM_024675.4 (MANE Select); coding-DNA position 1226, A replaced by T.
Protein change: p.Tyr409Phe; replaces tyrosine 409 with phenylalanine.
Molecular consequence: missense variant.
Genome position (GRCh38, 1-based): chr16:23,635,320, T>A on the plus strand (A>T on the coding strand, the complement: PALB2 is on the minus strand). VCF-style: chr16-23635320-T-A. GRCh37 (hg19) VCF-style: chr16-23646641-T-A.
Other names: short protein forms Y409F.
Identifiers: ClinVar variation 859179 (VCV000859179.13), dbSNP rs878855097, ClinGen allele CA395133097.